The following is an entry in ClinVar:

NM_001287.6(CLCN7):c.952T>C (p.Phe318Leu)

Gene: CLCN7 (Cl-/H+ antiporter 7; minus strand). Cytogenetic location: 16p13.3.
Variant type: single nucleotide variant.
Coding change: c.952T>C on transcript NM_001287.6 (MANE Select); coding-DNA position 952, T replaced by C.
Protein change: p.Phe318Leu; replaces phenylalanine 318 with leucine.
Molecular consequence: missense variant.
Genome position (GRCh38, 1-based): chr16:1,455,760, A>G on the plus strand (T>C on the coding strand, the complement: CLCN7 is on the minus strand). VCF-style: chr16-1455760-A-G. GRCh37 (hg19) VCF-style: chr16-1505761-A-G.
Other names: c.880T>C, p.Phe294Leu (NM_001114331.3); short protein forms F294L, F318L.
Identifiers: ClinVar variation 1012215 (VCV001012215.5), dbSNP rs2038825509, ClinGen allele CA394190018.

ClinVar aggregate classification (germline): Pathogenic. Review status: criteria provided, multiple submitters, no conflicts (2 of 4 stars). 3 submissions from 3 submitters: Pathogenic (2). 1 of the submissions does not count toward it. Last evaluated 2023-01-18.

Conditions:
Autosomal dominant osteopetrosis 2. Also called: Osteopetroses; Marble bones; Albers-Schonberg disease; Osteosclerosis fragilis; Albers-Schönberg osteopetrosis; Albers-Schoenberg disease. Identifiers: Orphanet 53, MedGen C3179239, MONDO:0008156, OMIM 166600.
CLCN7-related disorder. Also called: CLCN7-related condition.

gnomAD v4.1: 1 of 1,613,808 alleles (0.000062%); no homozygotes.

Submissions (3):

Blueprint Genetics
Classification: Pathogenic for CLCN7-related disorders. Last evaluated: 2023-01-18. Review status: criteria provided, single submitter. Criteria: ACMG Guidelines, 2015. Collection method: clinical testing. Allele origin: germline. Affected: yes. Observed: 3 variant alleles.

Undiagnosed Diseases Network, NIH
Classification: Pathogenic for Autosomal dominant osteopetrosis 2. Last evaluated: 2019-09-04. Review status: criteria provided, single submitter. Criteria: ACMG Guidelines, 2015. Collection method: clinical testing. Allele origin: de novo. Inheritance: Autosomal dominant inheritance. Affected: yes. Observed: 1 variant allele, 1 heterozygote. Study: Undiagnosed Diseases Network (NIH), UDN.

PreventionGenetics, part of Exact Sciences
Classification: Pathogenic for CLCN7-related condition. Last evaluated: 2024-07-26. Review status: no assertion criteria provided. Collection method: clinical testing. Allele origin: germline. Not counted in ClinVar's aggregate classification.
Comment: The CLCN7 c.952T>C variant is predicted to result in the amino acid substitution p.Phe318Leu. This variant has been reported in multiple individuals with autosomal dominant osteopetrosis (ADO), with and without a known family history (Polgreen et al. 2024. PubMed ID: 38661205). A different substitution resulting in the same amino acid change, c.954C>G (p.Phe318Leu), has also been reported individuals with ADO (Pangrazio et al. 2009. PubMed ID: 19953639; inherited from an unaffected father, Zhang et al. 2017. PubMed ID: 28975865). In addition, nucleotide changes affecting the same amino acid (p.Phe318Ser and p.Phe318Val) have been reported in two individuals with osteopetrosis (Zhang et al. 2017. PubMed ID: 28975865; reported as p.Phe294Val, in the compound heterozygous state, Chen et al. 2023. PubMed ID: 36999084). Heterozygous p.Phe318Leu mice are reported to have a phenotype that resembles Albers-Schönberg disease (Caetano-Lopes et al. 2017. PubMed ID: 28942122). In ClinVar, this variant has been reported as pathogenic. Taken together, we interpret this variant as pathogenic.